The following is an entry in ClinVar:

NM_001365999.1(SZT2):c.6920C>T (p.Ala2307Val)

Gene: SZT2 (SZT2 subunit of KICSTOR complex; plus strand). Cytogenetic location: 1p34.2.
Variant type: single nucleotide variant.
Coding change: c.6920C>T on transcript NM_001365999.1 (MANE Select); coding-DNA position 6920, C replaced by T.
Protein change: p.Ala2307Val; replaces alanine 2307 with valine.
Molecular consequence: missense variant.
Genome position (GRCh38, 1-based): chr1:43,439,647, C>T. VCF-style: chr1-43439647-C-T. GRCh37 (hg19) VCF-style: chr1-43905318-C-T.
Other names: c.6749C>T, p.Ala2250Val (NM_015284.4); short protein forms A2250V, A2307V.
Identifiers: ClinVar variation 411943 (VCV000411943.10), dbSNP rs143540691, ClinGen allele CA810056.

ClinVar aggregate classification (germline): Uncertain significance (1 of 4 stars; one submission).

Allele frequency attached by ClinVar (database versions not stated): gnomAD 0.00002; gnomAD exomes 0.00002; TOPMed 0.00002; ExAC 0.00004; ESP Exome Variant Server 0.00008.

Submission:

Labcorp Genetics (formerly Invitae), Labcorp
Classification: Uncertain significance. Last evaluated: 2026-01-12. Review status: criteria provided, single submitter. Criteria: Invitae Variant Classification Sherloc (09022015). Collection method: clinical testing. Allele origin: germline.
Comment: This sequence change replaces alanine, which is neutral and non-polar, with valine, which is neutral and non-polar, at codon 2250 of the SZT2 protein (p.Ala2250Val). This variant is present in population databases (rs143540691, gnomAD 0.006%). This variant has not been reported in the literature in individuals affected with SZT2-related conditions. ClinVar contains an entry for this variant (Variation ID: 411943). Invitae Evidence Modeling of protein sequence and biophysical properties (such as structural, functional, and spatial information, amino acid conservation, physicochemical variation, residue mobility, and thermodynamic stability) indicates that this missense variant is expected to disrupt SZT2 protein function with a positive predictive value of 80%. In summary, the available evidence is currently insufficient to determine the role of this variant in disease. Therefore, it has been classified as a Variant of Uncertain Significance.